The following is an entry in ClinVar:

ClinVar aggregate classification (germline): Uncertain significance (1 of 4 stars; one submission).

Allele frequency attached by ClinVar (database versions not stated): TOPMed 0.00002; gnomAD 0.00001.
gnomAD v4.1: 15 of 1,545,484 alleles (0.00097%); highest among the groups gnomAD compares: Non-Finnish European, 0.0011%; no homozygotes.

Submission:

Labcorp Genetics (formerly Invitae), Labcorp
Classification: Uncertain significance. Last evaluated: 2025-06-27. Review status: criteria provided, single submitter. Criteria: Invitae Variant Classification Sherloc (09022015). Collection method: clinical testing. Allele origin: germline.
Comment: This sequence change replaces alanine, which is neutral and non-polar, with serine, which is neutral and polar, at codon 10 of the POLE2 protein (p.Ala10Ser). The frequency data for this variant in the population databases is considered unreliable, as metrics indicate poor data quality at this position in the gnomAD database. This variant has not been reported in the literature in individuals affected with POLE2-related conditions. ClinVar contains an entry for this variant (Variation ID: 1361001). An algorithm developed to predict the effect of missense changes on protein structure and function (PolyPhen-2) suggests that this variant is likely to be tolerated. In summary, the available evidence is currently insufficient to determine the role of this variant in disease. Therefore, it has been classified as a Variant of Uncertain Significance.

NM_002692.4(POLE2):c.28G>T (p.Ala10Ser)

Gene: POLE2 (DNA polymerase epsilon 2, accessory subunit; minus strand). Cytogenetic location: 14q21.3.
Variant type: single nucleotide variant.
Coding change: c.28G>T on transcript NM_002692.4 (MANE Select); coding-DNA position 28, G replaced by T.
Protein change: p.Ala10Ser; replaces alanine 10 with serine.
Molecular consequence: missense variant. On other transcripts: 5 prime UTR variant (1).
Genome position (GRCh38, 1-based): chr14:49,688,176, C>A on the plus strand (G>T on the coding strand, the complement: POLE2 is on the minus strand). VCF-style: chr14-49688176-C-A. GRCh37 (hg19) VCF-style: chr14-50154894-C-A.
Other names: c.28G>T, p.Ala10Ser (NM_001197330.2, NM_001197331.3, NM_001348384.2); c.-208G>T (NM_001348385.2); short protein forms A10S.
Identifiers: ClinVar variation 1361001 (VCV001361001.6), dbSNP rs1297842797, ClinGen allele CA389618046.